The following is an entry in ClinVar:

ClinVar aggregate classification (germline): Uncertain significance (1 of 4 stars; one submission).

Conditions:
Werner syndrome (WRN). Identifiers: Orphanet 902, MedGen C0043119, MONDO:0010196, OMIM 277700.

Submission:

Labcorp Genetics (formerly Invitae), Labcorp
Classification: Uncertain significance for Werner syndrome. Last evaluated: 2019-02-27. Review status: criteria provided, single submitter. Criteria: Invitae Variant Classification Sherloc (09022015). Collection method: clinical testing. Allele origin: germline.
Comment: In summary, the available evidence is currently insufficient to determine the role of this variant in disease. Therefore, it has been classified as a Variant of Uncertain Significance. Algorithms developed to predict the effect of missense changes on protein structure and function are either unavailable or do not agree on the potential impact of this missense change (SIFT: "Tolerated"; PolyPhen-2: "Possibly Damaging"; Align-GVGD: "Class C0"). This variant has not been reported in the literature in individuals with WRN-related conditions. This variant is not present in population databases (ExAC no frequency). This sequence change replaces serine with arginine at codon 1330 of the WRN protein (p.Ser1330Arg). The serine residue is weakly conserved and there is a moderate physicochemical difference between serine and arginine.

NM_000553.6(WRN):c.3988A>C (p.Ser1330Arg)

Gene: WRN (WRN RecQ like helicase; plus strand). Cytogenetic location: 8p12.
Variant type: single nucleotide variant.
Coding change: c.3988A>C on transcript NM_000553.6 (MANE Select); coding-DNA position 3988, A replaced by C.
Protein change: p.Ser1330Arg; replaces serine 1330 with arginine.
Molecular consequence: missense variant.
Genome position (GRCh38, 1-based): chr8:31,167,027, A>C. VCF-style: chr8-31167027-A-C. GRCh37 (hg19) VCF-style: chr8-31024543-A-C.
Other names: short protein forms S1330R.
Identifiers: ClinVar variation 848506 (VCV000848506.5), dbSNP rs1803910656, ClinGen allele CA370908352.